The following is an entry in ClinVar:

ClinVar aggregate classification (germline): Uncertain significance (1 of 4 stars; one submission).

Allele frequency attached by ClinVar (database versions not stated): gnomAD exomes below 0.00001; ExAC 0.00001; TOPMed 0.00001.
gnomAD v4.1: 1 of 1,614,114 alleles (0.000062%); highest among the groups gnomAD compares: Admixed American, 0.0017%; no homozygotes.

Submission:

Labcorp Genetics (formerly Invitae), Labcorp
Classification: Uncertain significance. Last evaluated: 2022-02-13. Review status: criteria provided, single submitter. Criteria: Invitae Variant Classification Sherloc (09022015). Collection method: clinical testing. Allele origin: germline.
Comment: This sequence change replaces glycine, which is neutral and non-polar, with aspartic acid, which is acidic and polar, at codon 172 of the NSMCE3 protein (p.Gly172Asp). This variant is present in population databases (rs776673697, gnomAD 0.003%). This variant has not been reported in the literature in individuals affected with NSMCE3-related conditions. Algorithms developed to predict the effect of missense changes on protein structure and function (SIFT, PolyPhen-2, Align-GVGD) all suggest that this variant is likely to be tolerated. In summary, the available evidence is currently insufficient to determine the role of this variant in disease. Therefore, it has been classified as a Variant of Uncertain Significance.

NM_138704.4(NSMCE3):c.515G>A (p.Gly172Asp)

Genes: ENTREP2 (endosomal transmembrane epsin interactor 2; minus strand), NSMCE3 (NSE3 homolog, SMC5-SMC6 complex component; minus strand). Cytogenetic location: 15q13.1.
Variant type: single nucleotide variant.
Coding change: c.515G>A on transcript NM_138704.4 (MANE Select); coding-DNA position 515, G replaced by A.
Protein change: p.Gly172Asp; replaces glycine 172 with aspartic acid.
Molecular consequence: missense variant. On other transcripts: intron variant (5).
Genome position (GRCh38, 1-based): chr15:29,269,191, C>T on the plus strand (G>A on the coding strand, the complement: NSMCE3 is on the minus strand). VCF-style: chr15-29269191-C-T. GRCh37 (hg19) VCF-style: chr15-29561395-C-T.
Other names: c.-12-16713G>A (NM_001387217.1, NM_001387215.1, NM_001387216.1); c.277-16713G>A (NM_001387214.1, NM_015307.2); short protein forms G172D.
Identifiers: ClinVar variation 1997170 (VCV001997170.1), dbSNP rs776673697, ClinGen allele CA7446110.
Genomic context (GRCh38, chr15:29,269,191, plus strand): 5'-GTGTTGCCCTTCATAAAGATGAGCCCTAAGACGATCATCAGGAGGCCCGTAGTGGGCGTG[C>T]CTTGGTCACCCCTCATCTCGGCATCCTCCTCCACAGGCTCCAGGGTGTTGATGAGGATGT-3'
Protein context (NP_619649.1, residues 162-182): EEDAEMRGDQ[Gly172Asp]TPTTGLLMIV